The following is an entry in ClinVar:

ClinVar aggregate classification (germline): Benign (1 of 4 stars; one submission).

Allele frequency attached by ClinVar (database versions not stated): gnomAD 0.00011 and 0.00017; 1000 Genomes Project 30x 0.00109; 1000 Genomes Project 0.00260.
gnomAD v4.1: 23 of 141,804 alleles (0.016%); highest among the groups gnomAD compares: East Asian, 0.36%; 1 homozygote.

Submission:

CeGaT Center for Human Genetics Tuebingen
Classification: Benign. Last evaluated: 2022-04-01. Review status: criteria provided, single submitter. Criteria: CeGaT Center For Human Genetics Tuebingen Variant Classification Criteria Version 2. Collection method: clinical testing. Allele origin: germline. Affected: yes. Observed: 1 variant allele.
Comment: SORL1: BS1, BS2

NM_003105.6(SORL1):c.528+3528G>C

Gene: SORL1 (sortilin related receptor 1; plus strand). Cytogenetic location: 11q24.1.
Variant type: single nucleotide variant.
Coding change: c.528+3528G>C on transcript NM_003105.6 (MANE Select); 3528 bases into the intron after coding-DNA position 528, G replaced by C.
Molecular consequence: intron variant.
Genome position (GRCh38, 1-based): chr11:121,481,771, G>C. VCF-style: chr11-121481771-G-C. GRCh37 (hg19) VCF-style: chr11-121352480-G-C.
Identifiers: ClinVar variation 1694652 (VCV001694652.31), dbSNP rs370845328, ClinGen allele CA229964152.